The following is an entry in ClinVar:

ClinVar aggregate classification (germline): Pathogenic. Review status: reviewed by expert panel (3 of 4 stars). 16 submissions from 16 submitters: Pathogenic (1). 15 of the submissions do not count toward it. Last evaluated 2024-08-13.

Conditions:
VWF-related disorder. Also called: VWF-related condition; VWF-related disorders.
Inborn genetic diseases. Identifiers: MedGen C0950123, MeSH D030342.
Hereditary von Willebrand disease. Identifiers: Orphanet 903, MedGen C5703318, MONDO:0019565. Inheritance: Autosomal recessive or Autosomal dominant.
von Willebrand disease type 2 (VWD2). Also called: VON WILLEBRAND DISEASE, TYPE 2A/IIE; VON WILLEBRAND DISEASE, TYPE 2CB; VON WILLEBRAND DISEASE, TYPE II; VWD, TYPE 2. Identifiers: Orphanet 166081, Orphanet 903, MedGen C1264040, MONDO:0013304, OMIM 613554.
Von Willebrand disease type 2A. Identifiers: Orphanet 166084, MedGen C1282968, MONDO:0015628. Inheritance: Autosomal recessive or autosomal dominant.

Allele frequency attached by ClinVar (database versions not stated): TOPMed below 0.00001.
gnomAD v4.1: 1 of 1,614,028 alleles (0.000062%); no homozygotes.

Submissions 1 to 5 of 16:

ClinGen von Willebrand Disease Variant Curation Expert Panel, ClinGen
Classification: Pathogenic for Von Willebrand disease type 2A. Last evaluated: 2024-08-13. Review status: reviewed by expert panel. Criteria: ClinGen VWD 2A B M Rules. Collection method: curation. Allele origin: germline. Inheritance: Autosomal dominant inheritance.
Comment: NM_000552.4(VWF):c.4789C>T (p.Arg1597Trp) missense variant has been identified in at least 40 probands reported to have type 2A VWD. This variant has been reported in at least 16 probands meeting PP4 laboratory phenotype criteria. (PS4_VeryStrong; PMIDs: 31939074, 22102197, 26791163, 27214365, 22329792, 14630825, 33807613, 23702511, 25689060, 27766062, 1380739, 16961623, 19277422, 22871923, 23355534). At least one patient with this variant displayed excessive mucocutaneous bleeding as well as laboratory phenotypes of very low VWF activity (VWF:RCo 11%), low VWF:RCo/VWF:Ag ratio of 0.28, and loss of high molecular weight multimers, which together are highly specific for VWD type 2A. Additionally, a normal RIPA assay was reported for this patient (PP4_moderate, PMID: 25689060 Patient 7). The variant has been reported to segregate with VWD type 2A through >2 affected meioses in at least 2 families (PP1_moderate; PMID: 22329792, 27766062). This variant has been identified as a de novo occurrence with unconfirmed parental relationships in at least 1 individual with VWD type 2A (PS2_supporting; PMID: 27214365). The Grpmax filtering allele frequency in gnomAD v4.1 is 0 which is lower than the ClinGen VWD VCEP threshold of <0.0001 (PM2_Supporting), a single allele is present in the European (Finnish) population. ADAMTS susceptibility assay, in 293 EBNA cells and hydrodynamic mouse model, expressing recombinant R1597W VWF showed increased susceptibility indicating that this variant has a damaging effect on protein function and the hydrodynamic model is a strong recapitulation human patients with a multimer profile was skewed toward lower molecular weight multimers, reduced VWF:Ag, and reduced thrombus formation. (PMID: 16322474, 29186156, 22372972)(PS3). The computational predictor CADD gives a PHRED score of 27.4, which is above the ClinGen VWD VCEP threshold of >20 and predicts a damaging effect on VWF function (PP3). In summary, this variant meets the criteria to be classified as pathogenic for autosomal dominant VWD type 2A based on the ACMG/AMP criteria applied, as specified by the ClinGen VWD VCEP: PP1_moderate, PP4_moderate, PS4_VeryStrong, PP3, PM2_supporting, PS2_supporting, PS3.

PreventionGenetics, part of Exact Sciences
Classification: Pathogenic for VWF-related condition. Last evaluated: 2026-08-27. Review status: criteria provided, single submitter. Criteria: ACMG Guidelines, 2015. Collection method: clinical testing. Allele origin: germline. Not counted in ClinVar's aggregate classification.
Comment: The VWF c.4789C>T variant is predicted to result in the amino acid substitution p.Arg1597Trp. This variant has been reported in several patients with von Willebrand Disease (VWD) type 2a (Ginsburg et al. 1989. PubMed ID: 2786201; Starke et al. 2013. PubMed ID: 23355534; Hassenpflug et al. 2006. PubMed ID: 16322474). Functional analyses have indicated that the p.Arg1597Trp substitution causes enhanced cleavage of VWF protein by the protease ADAMTS13 and a loss of high molecular weight VWF multimers in patients harboring the p.Arg1597Trp variant (Starke et al. 2013. PubMed ID: 23355534; Hassenpflug et al. 2006. PubMed ID: 16322474; Pruss et al. 2012. PubMed ID:22372972). Different variants affecting amino acid residue p.Arg1597 have also been reported in other patients with VWD type 2a indicating the amino acid residue p.Arg1597 is important for proper VWF protein function (see for example p.Arg1597Pro, Veyradier et al. 2016. PubMed ID: 26986123, and p.Arg1597Leu, Melo-Nava et al. 2007. PubMed ID: 17681836).This variant has not been reported in a large population database, indicating this variant is rare. This variant is interpreted as pathogenic.

Quest Diagnostics Nichols Institute San Juan Capistrano
Classification: Pathogenic. Last evaluated: 2025-04-22. Review status: criteria provided, single submitter. Criteria: Quest Diagnostics criteria. Collection method: clinical testing. Allele origin: unknown. Not counted in ClinVar's aggregate classification.
Comment: The VWF c.4789C>T (p.Arg1597Trp) variant has been reported in heterozygous individuals with von Willebrand disease (VWD) type 2A in the published literature (PMIDs: 38315875 (2024), 38053262 (2024), 19277422 (2009), 16322474 (2006)) and has been reported to segregate with VWD type 2A in a large family (PMID: 27766062 (2016)). In addition, functional studies have demonstrated that this variant is damaging to VWF protein functions (PMID: 34136746 (2024), 29186156 (2017), 22372972 (2012), 18986390 (2008), 16322474 (2006)). This variant has not been reported in large, multi-ethnic general populations (Genome Aggregation Database). Analysis of this variant using bioinformatics tools (i.e., MutationTaster and PolyPhen-2) for the prediction of the effect of amino acid changes on protein structure and function yielded predictions that this variant is damaging. Based on the available information, this variant is classified as pathogenic.

ARUP Laboratories, Molecular Genetics and Genomics, ARUP Laboratories
Classification: Pathogenic. Last evaluated: 2025-03-14. Review status: criteria provided, single submitter. Criteria: ARUP Molecular Germline Variant Investigation Process 2024. Collection method: clinical testing. Allele origin: germline. Not counted in ClinVar's aggregate classification.
Comment: The VWF c.4789C>T; p.Arg1597Trp variant (rs61750117, ClinVar Variation ID: 285), also known as Arg834Trp in the mature protein, has been reported in patients with type 2A Von Willebrand disease (VWD) (Baronciani 2006, Ginsburg 1989, Starke 2013) and segregated with disease in a three-generation family (Shen 2016). In vitro studies have shown that this variant results in increased susceptibility to ADAMTS13 cleavage (Hassenpflug 2006, Pruss 2012, Pruss 2008). It has also been shown that plasma samples from patients carrying this variant lack high molecular weight multimers of Von Willebrand factor (VWF) (Hassenpflug 2006, Starke 2013). This variant is absent from the Genome Aggregation Database (v2.1.1), indicating it is not a common polymorphism. Additionally, another variant at this codon (c.4790G>A; p.Arg1597Gln) has been reported in patients with type 2A VWD and is considered pathogenic (Ginsburg 1993). The arginine at codon 1597 is highly conserved in the calcium-binding loop of VWF A2 domain (Xu 2013) and Computational analyses predict that this variant is deleterious (REVEL: 0.748). Based on available information, this variant is considered to be pathogenic. References: Baronciani L et al. von Willebrand factor collagen binding assay in von Willebrand disease type 2A, 2B, and 2M. J Thromb Haemost. 2006 Sep; 4:2088-2090. PMID: 16961623 Ginsburg D et al. Molecular basis of human von Willebrand disease: analysis of platelet von Willebrand factor mRNA. Proc Natl Acad Sci U S A. 1989 May; 86:3723-3727. PMID: 2786201 Ginsburg D and Sadler JE. von Willebrand disease: a database of point mutations, insertions, and deletions. For the Consortium on von Willebrand Factor Mutations and Polymorphisms, and the Subcommittee on von Willebrand Factor of the Scientific and Standardization Committee of the International Society on Thrombosis and Haemostasis. Thromb Haemost. 1993 Feb 1; 69:177-184. PMID: 8456431 Hassenpflug WA et al. Impact of mutations in the von Willebrand factor A2 domain on ADAMTS13-dependent proteolysis. Blood. 2006 Mar 15; 107:2339-2345. PMID: 16322474. Pruss CM et al. Use of a mouse model to elucidate the phenotypic effects of the von Willebrand factor cleavage mutants, Y1605A/M1606A and R1597W. J Thromb Haemost. 2012 May; 10:940-950. PMID: 22372972 Pruss CM et al. ADAMTS13 cleavage efficiency is altered by mutagenic and, to a lesser extent, polymorphic sequence changes in the A1 and A2 domains of von Willebrand factor. Br J Haematol. 2008 Nov; 143:552-558. PMID: 18986390 Shen MC et al. De novo mutation and somatic mosaicism of gene mutation in type 2A, 2B and 2M VWD. Thromb J. 2016 Oct 4; 14:36. PMID: 27766062 Starke RD et al. Cellular and molecular basis of von Willebrand disease: studies on blood outgrowth endothelial cells. Blood. 2013 Apr 4; 121:2773-2784. PMID: 23355534

Mayo Clinic Laboratories, Mayo Clinic
Classification: Pathogenic. Last evaluated: 2025-03-11. Review status: criteria provided, single submitter. Criteria: ACMG Guidelines, 2015. Collection method: clinical testing. Allele origin: germline. Observed: 2 variant alleles. Not counted in ClinVar's aggregate classification.
Comment: PP1_strong, PP3, PP5, PM2_supporting, PM6, PS3, PS4_moderate

NM_000552.5(VWF):c.4789C>T (p.Arg1597Trp)

Gene: VWF (von Willebrand factor; minus strand). Cytogenetic location: 12p13.31.
Variant type: single nucleotide variant.
Coding change: c.4789C>T on transcript NM_000552.5 (MANE Select); coding-DNA position 4789, C replaced by T.
Protein change: p.Arg1597Trp; replaces arginine 1597 with tryptophan.
Molecular consequence: missense variant.
Genome position (GRCh38, 1-based): chr12:6,018,629, G>A on the plus strand (C>T on the coding strand, the complement: VWF is on the minus strand). VCF-style: chr12-6018629-G-A. GRCh37 (hg19) VCF-style: chr12-6127795-G-A.
Other names: p.R1597W; NM_000552.4(VWF):c.4789C>T; short protein forms R1597W.
Identifiers: ClinVar variation 285 (VCV000000285.36), dbSNP rs61750117, ClinGen allele CA114117.
Genomic context (GRCh38, chr12:6,018,629, plus strand): 5'-TGATCTCATCAGAGGCAGGATTTCCGGTGACCATGTAGACCAGGTTGGGCGCCTGCTCCC[G>A]GTCACCCTGGCTGACCAAGAAGCTGTGGTCAGAGAGGTACCGCAGGGCCAGCCCAGTGTT-3'
Protein context (NP_000543.3, residues 1587-1607): DHSFLVSQGD[Arg1597Trp]EQAPNLVYMV